The following is an entry in ClinVar:

ClinVar aggregate classification (germline): Conflicting classifications of pathogenicity. Review status: criteria provided, conflicting classifications (1 of 4 stars). 4 submissions from 4 submitters: Uncertain significance (2); Likely benign (1). 1 of the submissions does not count toward it. Last evaluated 2026-01-28.

Conditions:
Fanconi anemia (FA). Also called: Fanconi's anemia. Identifiers: Orphanet 84, MedGen C0015625, MeSH D005199, MONDO:0019391.

Allele frequency attached by ClinVar (database versions not stated): gnomAD 0.00003; gnomAD exomes 0.00003; TOPMed 0.00003; ExAC 0.00004; ESP Exome Variant Server 0.00008; 1000 Genomes Project 30x 0.00016; 1000 Genomes Project 0.00020.
gnomAD v4.1: 32 of 1,612,604 alleles (0.002%); highest among the groups gnomAD compares: South Asian, 0.0088%; no homozygotes.

Submissions (4):

Labcorp Genetics (formerly Invitae), Labcorp
Classification: Likely benign for Fanconi anemia. Last evaluated: 2026-01-28. Review status: criteria provided, single submitter. Criteria: Invitae Variant Classification Sherloc (09022015). Collection method: clinical testing. Allele origin: germline.

Quest Diagnostics Nichols Institute San Juan Capistrano
Classification: Uncertain significance. Last evaluated: 2025-08-18. Review status: criteria provided, single submitter. Criteria: Quest Diagnostics criteria. Collection method: clinical testing. Allele origin: unknown.
Comment: The FANCA c.1459C>T (p.Arg487Trp) variant has been reported in the published literature in an individual with breast cancer (PMID: 35884425 (2022)). The frequency of this variant in the general population (Genome Aggregation Database) is uninformative in the assessment of its pathogenicity. Analysis of this variant using bioinformatics tools for the prediction of the effect of amino acid changes on protein structure and function yielded predictions that this variant is benign. Based on the available information, we are unable to determine the clinical significance of this variant.

Mayo Clinic Laboratories, Mayo Clinic
Classification: Uncertain significance. Last evaluated: 2022-11-22. Review status: criteria provided, single submitter. Criteria: ACMG Guidelines, 2015. Collection method: clinical testing. Allele origin: germline. Observed: 1 variant allele.
Comment: PM2

Natera, Inc.
Classification: Uncertain significance for Fanconi anemia. Last evaluated: 2020-12-02. Review status: no assertion criteria provided. Collection method: clinical testing. Allele origin: germline. Not counted in ClinVar's aggregate classification.

Literature cited by the submitters: PubMed 35884425 (cited by Quest Diagnostics Nichols Institute San Juan Capistrano).

NM_000135.4(FANCA):c.1459C>T (p.Arg487Trp)

Gene: FANCA (FA complementation group A; minus strand). Cytogenetic location: 16q24.3.
Variant type: single nucleotide variant.
Coding change: c.1459C>T on transcript NM_000135.4 (MANE Select); coding-DNA position 1459, C replaced by T.
Protein change: p.Arg487Trp; replaces arginine 487 with tryptophan.
Molecular consequence: missense variant.
Genome position (GRCh38, 1-based): chr16:89,784,865, G>A on the plus strand (C>T on the coding strand, the complement: FANCA is on the minus strand). VCF-style: chr16-89784865-G-A. GRCh37 (hg19) VCF-style: chr16-89851273-G-A.
Other names: p.Arg487Trp; c.1459C>T (LRG_495t1, NM_000135.3); c.1459C>T, p.Arg487Trp (NM_001286167.3); short protein forms R487W.
Identifiers: ClinVar variation 652450 (VCV000652450.12), dbSNP rs143083764, ClinGen allele CA8252333.